The following is an entry in ClinVar:

NM_001655.5(ARCN1):c.654-15A>G

Gene: ARCN1 (archain 1 coat protein complex I subunit delta; plus strand). Cytogenetic location: 11q23.3.
Variant type: single nucleotide variant.
Coding change: c.654-15A>G on transcript NM_001655.5 (MANE Select); 15 bases into the intron before coding-DNA position 654, A replaced by G.
Molecular consequence: intron variant.
Genome position (GRCh38, 1-based): chr11:118,584,465, A>G. VCF-style: chr11-118584465-A-G. GRCh37 (hg19) VCF-style: chr11-118455180-A-G.
Other names: IVS4, A-G, -15; c.390-15A>G (NM_001142281.2).
Identifiers: ClinVar variation 805895 (VCV000805895.12), dbSNP rs1591385240, ClinGen allele CA915947827.

ClinVar aggregate classification (germline): Pathogenic/Likely pathogenic. Review status: criteria provided, multiple submitters, no conflicts (2 of 4 stars). 4 submissions from 4 submitters: Pathogenic (2); Likely pathogenic (1). 1 of the submissions does not count toward it. Last evaluated 2024-05-07.

Conditions:
Short stature, rhizomelic, with microcephaly, micrognathia, and developmental delay (SSMG). Also called: SHORT STATURE-MICROGNATHIA SYNDROME. Identifiers: Orphanet 659702, MedGen C4310686, MONDO:0014948, OMIM 617164.

Allele frequency attached by ClinVar (database versions not stated): gnomAD exomes below 0.00001.
gnomAD v4.1: 1 of 1,593,360 alleles (0.000063%); highest among the groups gnomAD compares: Non-Finnish European, 0.000085%; no homozygotes.

Submissions (4):

GeneDx
Classification: Pathogenic. Last evaluated: 2024-05-07. Review status: criteria provided, single submitter. Criteria: GeneDx Variant Classification Process June 2021. Collection method: clinical testing. Allele origin: germline. Affected: yes.
Comment: Not observed at significant frequency in large population cohorts (gnomAD); RNA studies demonstrate a damaging effect with protein truncation/nonsense mediated decay (PMID: 33154040); In silico analysis supports a deleterious effect on splicing; This variant is associated with the following publications: (PMID: 35300924, 33154040)

Equipe Genetique des Anomalies du Developpement, Université de Bourgogne
Classification: Pathogenic for Short stature, rhizomelic, with microcephaly, micrognathia, and developmental delay. Last evaluated: 2023-02-07. Review status: criteria provided, single submitter. Criteria: ACMG Guidelines, 2015. Collection method: clinical testing. Allele origin: paternal. Affected: yes.

ARUP Laboratories, Molecular Genetics and Genomics, ARUP Laboratories
Classification: Likely pathogenic for Short stature, rhizomelic, with microcephaly, micrognathia, and developmental delay. Last evaluated: 2020-01-01. Review status: criteria provided, single submitter. Criteria: ARUP Molecular Germline Variant Investigation Process. Collection method: clinical testing. Allele origin: de novo. Inheritance: Autosomal dominant inheritance. Affected: yes. Observed: 1 heterozygote.

OMIM
Classification: Pathogenic for SHORT STATURE-MICROGNATHIA SYNDROME. Last evaluated: 2022-09-06. Review status: no assertion criteria provided. Collection method: literature only. Allele origin: germline. Not counted in ClinVar's aggregate classification.

Literature cited by the submitters: PubMed 33154040 (cited by Equipe Genetique des Anomalies du Developpement, Université de Bourgogne and OMIM); PubMed 35300924 (cited by Equipe Genetique des Anomalies du Developpement, Université de Bourgogne and OMIM).